The following is an entry in ClinVar:

NM_001220.5(CAMK2B):c.1560C>A (p.Cys520Ter)

Gene: CAMK2B (calcium/calmodulin dependent protein kinase II beta; minus strand). Cytogenetic location: 7p13.
Variant type: single nucleotide variant.
Coding change: c.1560C>A on transcript NM_001220.5 (MANE Select); coding-DNA position 1560, C replaced by A.
Protein change: p.Cys520Ter; replaces cysteine 520 with a stop codon.
Molecular consequence: nonsense. On other transcripts: intron variant (8).
Genome position (GRCh38, 1-based): chr7:44,226,553, G>T on the plus strand (C>A on the coding strand, the complement: CAMK2B is on the minus strand). VCF-style: chr7-44226553-G-T. GRCh37 (hg19) VCF-style: chr7-44266152-G-T.
Other names: c.947-5652C>A (NM_172084.3); c.1150+4453C>A (NM_172080.3); c.1036+4453C>A (NM_172083.3); c.1108+4453C>A (NM_172081.3); c.1153+4453C>A (NM_172079.3, NM_172082.3); c.1225+4453C>A (NM_001293170.2, NM_172078.3); short protein forms C520*.
Identifiers: ClinVar variation 2867197 (VCV002867197.3), dbSNP rs2485052345, ClinGen allele CA367371476.

ClinVar aggregate classification (germline): Uncertain significance (1 of 4 stars; one submission).

gnomAD v4.1: 1 of 1,461,976 alleles (0.000068%); highest among the groups gnomAD compares: Non-Finnish European, 0.00009%; no homozygotes.

Submission:

Labcorp Genetics (formerly Invitae), Labcorp
Classification: Uncertain significance. Last evaluated: 2023-12-16. Review status: criteria provided, single submitter. Criteria: Invitae Variant Classification Sherloc (09022015). Collection method: clinical testing. Allele origin: germline.
Comment: This sequence change creates a premature translational stop signal (p.Cys520*) in the CAMK2B gene. It is expected to result in an absent or disrupted protein product. However, the current clinical and genetic evidence is not sufficient to establish whether loss-of-function variants in CAMK2B cause disease. This variant is not present in population databases (gnomAD no frequency). This variant has not been reported in the literature in individuals affected with CAMK2B-related conditions. Experimental studies and prediction algorithms are not available or were not evaluated, and the functional significance of this variant is currently unknown. In summary, the available evidence is currently insufficient to determine the role of this variant in disease. Therefore, it has been classified as a Variant of Uncertain Significance.